The following is an entry in ClinVar:

ClinVar aggregate classification (germline): Likely benign. Review status: criteria provided, multiple submitters, no conflicts (2 of 4 stars). 4 submissions from 4 submitters: Likely benign (4). Last evaluated 2025-12-21.

Conditions:
Cardiovascular phenotype. Identifiers: MedGen CN230736.
Catecholaminergic polymorphic ventricular tachycardia 1. Also called: VENTRICULAR TACHYCARDIA, STRESS-INDUCED POLYMORPHIC 1; RYR2-Related Catecholaminergic Polymorphic Ventricular Tachycardia; VENTRICULAR TACHYCARDIA, CATECHOLAMINERGIC POLYMORPHIC, 1, WITH OR WITHOUT ATRIAL DYSFUNCTION AND/OR DILATED CARDIOMYOPATHY. Identifiers: Orphanet 3286, MedGen C1631597, MONDO:0011484, OMIM 604772.

Allele frequency attached by ClinVar (database versions not stated): gnomAD exomes 0.00003 and 0.00009; ExAC 0.00005; 1000 Genomes Project 30x 0.00016; ESP Exome Variant Server 0.00017; gnomAD 0.00042; TOPMed 0.00047.
gnomAD v4.1: 102 of 1,491,024 alleles (0.0068%); highest among the groups gnomAD compares: African/African-American, 0.14%; no homozygotes.

Submissions (4):

Labcorp Genetics (formerly Invitae), Labcorp
Classification: Likely benign for Catecholaminergic polymorphic ventricular tachycardia 1. Last evaluated: 2025-12-21. Review status: criteria provided, single submitter. Criteria: Invitae Variant Classification Sherloc (09022015). Collection method: clinical testing. Allele origin: germline.

GeneDx
Classification: Likely benign. Last evaluated: 2020-10-05. Review status: criteria provided, single submitter. Criteria: GeneDx Variant Classification Process June 2021. Collection method: clinical testing. Allele origin: germline. Affected: yes.

Ambry Genetics
Classification: Likely benign for Cardiovascular phenotype. Last evaluated: 2019-03-20. Review status: criteria provided, single submitter. Criteria: Ambry Variant Classification Scheme 2023. Collection method: clinical testing. Allele origin: germline.

Laboratory for Molecular Medicine, Mass General Brigham Personalized Medicine
Classification: Likely benign. Last evaluated: 2017-07-27. Review status: criteria provided, single submitter. Criteria: LMM Criteria. Collection method: clinical testing. Allele origin: germline. Observed: 1 variant allele.
Comment: p.Lys182Lys in exon 6 of TRDN: This variant is not expected to have clinical sig nificance because it does not alter an amino acid residue and is not located wit hin the splice consensus sequence. It has been identified in 0.12% (20/16182) of African chromosomes by the Genome Aggregation Database (gnomAD; dbSNP rs77594350).

NM_006073.4(TRDN):c.546G>A (p.Lys182=)

Gene: TRDN (triadin; minus strand). Cytogenetic location: 6q22.31.
Variant type: single nucleotide variant.
Coding change: c.546G>A on transcript NM_006073.4 (MANE Select); coding-DNA position 546, G replaced by A.
Protein change: p.Lys182=; no amino-acid change (lysine 182 retained).
Molecular consequence: synonymous variant.
Genome position (GRCh38, 1-based): chr6:123,516,145, C>T on the plus strand (G>A on the coding strand, the complement: TRDN is on the minus strand). VCF-style: chr6-123516145-C-T. GRCh37 (hg19) VCF-style: chr6-123837290-C-T.
Other names: c.546G>A, p.Lys182= (NM_001251987.2, NM_001256020.2, NM_001256021.2).
Identifiers: ClinVar variation 415188 (VCV000415188.20), dbSNP rs377594350, ClinGen allele CA3984347.